The following is an entry in ClinVar:

ClinVar aggregate classification (germline): Benign/Likely benign. Review status: criteria provided, multiple submitters, no conflicts (2 of 4 stars). 8 submissions from 8 submitters: Benign (5); Likely benign (3). Last evaluated 2026-02-04.

Conditions:
Usher syndrome type 2C. Also called: Usher syndrome, type 2B; USHER SYNDROME, TYPE IIC. Identifiers: Orphanet 231178, Orphanet 886, MedGen C2931213, MONDO:0011558, OMIM 605472.

Allele frequency attached by ClinVar (database versions not stated): 1000 Genomes Project 30x 0.00515; 1000 Genomes Project 0.00559; TOPMed 0.01158; ESP Exome Variant Server 0.01499.
gnomAD v4.1: 29,133 of 1,612,110 alleles (1.8%); highest among the groups gnomAD compares: Non-Finnish European, 2.1%; 357 homozygotes.

Submissions (8):

Labcorp Genetics (formerly Invitae), Labcorp
Classification: Benign. Last evaluated: 2026-02-04. Review status: criteria provided, single submitter. Criteria: Invitae Variant Classification Sherloc (09022015). Collection method: clinical testing. Allele origin: germline.

Mayo Clinic Laboratories, Mayo Clinic
Classification: Benign. Last evaluated: 2021-03-15. Review status: criteria provided, single submitter. Criteria: ACMG Guidelines, 2015. Collection method: clinical testing. Allele origin: germline. Observed: 9 variant alleles.

Illumina Laboratory Services, Illumina
Classification: Likely benign for Usher syndrome type 2C. Last evaluated: 2018-01-13. Review status: criteria provided, single submitter. Criteria: ICSL Variant Classification Criteria 13 December 2019. Collection method: clinical testing. Allele origin: germline.
Comment: This variant was observed in the ICSL laboratory as part of a predisposition screen in an ostensibly healthy population. It had not been previously curated by ICSL or reported in the Human Gene Mutation Database (HGMD: prior to June 1st, 2018), and was therefore a candidate for classification through an automated scoring system. Utilizing variant allele frequency, disease prevalence and penetrance estimates, and inheritance mode, an automated score was calculated to assess if this variant is too frequent to cause the disease. Based on the score and internal cut-off values, a variant classified as likely benign is not then subjected to further curation. The score for this variant resulted in a classification of likely benign for this disease.

Athena Diagnostics
Classification: Benign. Last evaluated: 2017-06-26. Review status: criteria provided, single submitter. Criteria: Athena Diagnostics Criteria. Collection method: clinical testing. Allele origin: germline.

GeneDx
Classification: Benign. Last evaluated: 2014-05-05. Review status: criteria provided, single submitter. Criteria: GeneDx Variant Classification (06012015). Collection method: clinical testing. Allele origin: germline. Affected: yes.
Comment: This variant is considered likely benign or benign based on one or more of the following criteria: it is a conservative change, it occurs at a poorly conserved position in the protein, it is predicted to be benign by multiple in silico algorithms, and/or has population frequency not consistent with disease.

Genetic Services Laboratory, University of Chicago
Classification: Likely benign. Last evaluated: 2013-10-01. Review status: criteria provided, single submitter. Criteria: ACMG Guidelines, 2007. Collection method: clinical testing. Allele origin: germline. Inheritance: Autosomal dominant inheritance.
Comment: Likely benign based on allele frequency in 1000 Genomes Project or ESP global frequency and its presence in a patient with a rare or unrelated disease phenotype. NOT Sanger confirmed

Laboratory for Molecular Medicine, Mass General Brigham Personalized Medicine
Classification: Benign. Last evaluated: 2010-05-21. Review status: criteria provided, single submitter. Criteria: LMM Criteria. Collection method: clinical testing. Allele origin: germline. Observed: 52 variant alleles.

Breakthrough Genomics
Classification: Likely benign. Review status: criteria provided, single submitter. Criteria: ACMG Guidelines, 2015. Collection method: not provided. Allele origin: germline. Inheritance: Autosomal recessive inheritance. Affected: yes.

NM_032119.4(ADGRV1):c.13590C>T (p.Pro4530=)

Gene: ADGRV1 (adhesion G protein-coupled receptor V1; plus strand). Cytogenetic location: 5q14.3.
Variant type: single nucleotide variant.
Coding change: c.13590C>T on transcript NM_032119.4 (MANE Select); coding-DNA position 13590, C replaced by T.
Protein change: p.Pro4530=; no amino-acid change (proline 4530 retained).
Molecular consequence: synonymous variant. On other transcripts: non-coding transcript variant (1).
Genome position (GRCh38, 1-based): chr5:90,783,994, C>T. VCF-style: chr5-90783994-C-T. GRCh37 (hg19) VCF-style: chr5-90079811-C-T.
Other names: p.P4530P:CCC>CCT; p.Pro4530=.
Identifiers: ClinVar variation 46267 (VCV000046267.22), dbSNP rs41311745, ClinGen allele CA138024.
Genomic context (GRCh38, chr5:90,783,994, plus strand): 5'-TGACTCTCCCTTTGGAGTTATAAGGTTTCTCAATCAAAGCAAAATTTCTATTGCTAATCC[C>T]AATTCCACAATGATTTTATCACTGGTGCTGGAGCGGACTGGAGGACTCTTGGGAGAGATT-3'
Protein context (NP_115495.3, residues 4520-4540): LNQSKISIAN[Pro4530=]NSTMILSLVL